The following is an entry in ClinVar:

NM_001079802.2(FKTN):c.911-18dup

Gene: FKTN (fukutin; plus strand). Cytogenetic location: 9q31.2.
Variant type: Duplication.
Coding change: c.911-18dup on transcript NM_001079802.2 (MANE Select); 18 bases into the intron before coding-DNA position 911, one base duplicated (A; older notation c.911-18dupA).
Molecular consequence: intron variant.
Genome position (GRCh38, 1-based): chr9:105,617,941, A duplicated; the last of 7 consecutive A bases (chr9:105,617,935-105,617,941); duplicating any one gives the same sequence. VCF-style (leftmost placement, unchanged base first): chr9-105617934-T-TA. GRCh37 (hg19) VCF-style: chr9-108380215-T-TA.
Other names: c.911-18dupA (NM_001079802.1); c.911-18dup (NM_006731.2, NM_001351496.2, NM_001198963.2 and 1 more transcripts); c.515-18dup (NM_001351502.2, NM_001351499.2, NM_001351500.2 and 1 more transcripts); c.842-18dup (NM_001351497.2).
Identifiers: ClinVar variation 516602 (VCV000516602.1), dbSNP rs757992747, ClinGen allele CA5170526.
Genomic context (GRCh38, chr9:105,617,934, plus strand): 5'-AATCCTTGTTACAAATATAATTTGTTATAATAACTAATTTTTTCCAAACCTAAATTTTGT[T>TA]AAAAAAATTTAATCTTCTTTTTAGGATGGTATCGACAATGCAACATTATTCCTTATAGCA-3'

ClinVar aggregate classification (germline): Likely benign (1 of 4 stars; one submission).

Submission:

GeneDx
Classification: Likely benign. Last evaluated: 2017-07-13. Review status: criteria provided, single submitter. Criteria: GeneDx Variant Classification (06012015). Collection method: clinical testing. Allele origin: germline. Affected: yes.
Comment: This variant is considered likely benign or benign based on one or more of the following criteria: it is a conservative change, it occurs at a poorly conserved position in the protein, it is predicted to be benign by multiple in silico algorithms, and/or has population frequency not consistent with disease.